The following is an entry in ClinVar:

ClinVar aggregate classification (germline): Uncertain significance (1 of 4 stars; one submission).

Conditions:
Nephronophthisis. Also called: Juvenile Nephronophthisis. Identifiers: Orphanet 655, MedGen C0687120, MONDO:0019005, HP:0000090.

Submission:

Labcorp Genetics (formerly Invitae), Labcorp
Classification: Uncertain significance for Nephronophthisis. Last evaluated: 2021-10-27. Review status: criteria provided, single submitter. Criteria: Invitae Variant Classification Sherloc (09022015). Collection method: clinical testing. Allele origin: germline.
Comment: This variant has not been reported in the literature in individuals affected with NPHP1-related conditions. In summary, the available evidence is currently insufficient to determine the role of this variant in disease. Therefore, it has been classified as a Variant of Uncertain Significance. Algorithms developed to predict the effect of missense changes on protein structure and function are either unavailable or do not agree on the potential impact of this missense change (SIFT: "Tolerated"; PolyPhen-2: "Probably Damaging"; Align-GVGD: "Class C0"). This variant is not present in population databases (gnomAD no frequency). This sequence change replaces arginine, a(n) basic and polar amino acid, with serine, a(n) neutral and polar amino acid, at codon 729 of the NPHP1 protein (p.Arg729Ser).

NM_001128178.3(NPHP1):c.2019A>C (p.Arg673Ser)

Gene: NPHP1 (nephrocystin 1; minus strand). Cytogenetic location: 2q13.
Variant type: single nucleotide variant.
Coding change: c.2019A>C on transcript NM_001128178.3 (MANE Select); coding-DNA position 2019, A replaced by C.
Protein change: p.Arg673Ser; replaces arginine 673 with serine.
Molecular consequence: missense variant. On other transcripts: 3 prime UTR variant (1).
Genome position (GRCh38, 1-based): chr2:110,123,806, T>G on the plus strand (A>C on the coding strand, the complement: NPHP1 is on the minus strand). VCF-style: chr2-110123806-T-G. GRCh37 (hg19) VCF-style: chr2-110881383-T-G.
Other names: c.2016A>C, p.Arg672Ser (NM_001374256.1); c.*261A>C (NM_001374257.1); c.2184A>C, p.Arg728Ser (NM_207181.4); c.2187A>C, p.Arg729Ser (NM_000272.5); c.1830A>C, p.Arg610Ser (NM_001128179.3); short protein forms R728S, R673S, R610S, R672S, R729S.
Identifiers: ClinVar variation 1508616 (VCV001508616.6), dbSNP rs2104408356, ClinGen allele CA348085823.